The following is an entry in ClinVar:

ClinVar aggregate classification (germline): Likely benign (1 of 4 stars; one submission).

Allele frequency attached by ClinVar (database versions not stated): ExAC 0.00035; ESP Exome Variant Server 0.00038; gnomAD 0.00044; TOPMed 0.00052.
gnomAD v4.1: 591 of 1,611,804 alleles (0.037%); highest among the groups gnomAD compares: Middle Eastern, 1%; 4 homozygotes.

Submission:

CeGaT Center for Human Genetics Tuebingen
Classification: Likely benign. Last evaluated: 2023-04-01. Review status: criteria provided, single submitter. Criteria: CeGaT Center For Human Genetics Tuebingen Variant Classification Criteria Version 2. Collection method: clinical testing. Allele origin: germline. Affected: yes. Observed: 2 variant alleles.
Comment: TNFRSF19: BP4, BP7

NM_148957.4(TNFRSF19):c.735C>T (p.Cys245=)

Gene: TNFRSF19 (TNF receptor superfamily member 19; plus strand). Cytogenetic location: 13q12.12.
Variant type: single nucleotide variant.
Coding change: c.735C>T on transcript NM_148957.4 (MANE Select); coding-DNA position 735, C replaced by T.
Protein change: p.Cys245=; no amino-acid change (cysteine 245 retained).
Molecular consequence: synonymous variant.
Genome position (GRCh38, 1-based): chr13:23,660,489, C>T. VCF-style: chr13-23660489-C-T. GRCh37 (hg19) VCF-style: chr13-24234628-C-T.
Other names: c.339C>T, p.Cys113= (NM_001204459.2); c.735C>T, p.Cys245= (NM_001354985.2, NM_018647.5, NM_001204458.3).
Identifiers: ClinVar variation 2643679 (VCV002643679.24), dbSNP rs138676880, ClinGen allele CA6912482.